The following is an entry in ClinVar:

NM_181776.3(SLC36A2):c.448G>A (p.Val150Met)

Gene: SLC36A2 (solute carrier family 36 member 2; minus strand). Cytogenetic location: 5q33.1.
Variant type: single nucleotide variant.
Coding change: c.448G>A on transcript NM_181776.3 (MANE Select); coding-DNA position 448, G replaced by A.
Protein change: p.Val150Met; replaces valine 150 with methionine.
Molecular consequence: missense variant.
Genome position (GRCh38, 1-based): chr5:151,339,137, C>T on the plus strand (G>A on the coding strand, the complement: SLC36A2 is on the minus strand). VCF-style: chr5-151339137-C-T. GRCh37 (hg19) VCF-style: chr5-150718698-C-T.
Other names: short protein forms V150M.
Identifiers: ClinVar variation 592116 (VCV000592116.6), dbSNP rs766388628, ClinGen allele CA3518876.

ClinVar aggregate classification (germline): Uncertain significance. Review status: criteria provided, single submitter (1 of 4 stars). 2 submissions from 2 submitters: Uncertain significance (1). 1 of the submissions does not count toward it. Last evaluated 2022-08-31.

Conditions:
Hyperglycinuria. Also called: GLYCINURIA WITH OR WITHOUT OXALATE NEPHROLITHIASIS; GLYCINURIA WITH OR WITHOUT OXALATE UROLITHIASIS; IMINOGLYCINURIA TYPE II. Identifiers: MedGen C0543541, MONDO:0007677, OMIM 138500, HP:0003108.

Allele frequency attached by ClinVar (database versions not stated): ExAC 0.00001; gnomAD 0.00001; gnomAD exomes 0.00001 and 0.00002; TOPMed 0.00002.
gnomAD v4.1: 34 of 1,606,048 alleles (0.0021%); highest among the groups gnomAD compares: Middle Eastern, 0.017%; no homozygotes.

Submissions (2):

Labcorp Genetics (formerly Invitae), Labcorp
Classification: Uncertain significance. Last evaluated: 2022-08-31. Review status: criteria provided, single submitter. Criteria: Invitae Variant Classification Sherloc (09022015). Collection method: clinical testing. Allele origin: germline.
Comment: This sequence change replaces valine, which is neutral and non-polar, with methionine, which is neutral and non-polar, at codon 150 of the SLC36A2 protein (p.Val150Met). This variant is present in population databases (rs766388628, gnomAD 0.006%). This variant has not been reported in the literature in individuals affected with SLC36A2-related conditions. ClinVar contains an entry for this variant (Variation ID: 592116). Algorithms developed to predict the effect of missense changes on protein structure and function are either unavailable or do not agree on the potential impact of this missense change (SIFT: "Deleterious"; PolyPhen-2: "Probably Damaging"; Align-GVGD: "Class C0"). Algorithms developed to predict the effect of sequence changes on RNA splicing suggest that this variant may disrupt the consensus splice site. In summary, the available evidence is currently insufficient to determine the role of this variant in disease. Therefore, it has been classified as a Variant of Uncertain Significance.

Biochemical Molecular Genetic Laboratory, King Abdulaziz Medical City
Classification: Uncertain significance for Hyperglycinuria. Last evaluated: 2018-05-30. Review status: no assertion criteria provided. Collection method: clinical testing. Allele origin: germline. Affected: yes. Not counted in ClinVar's aggregate classification.